The following is an entry in ClinVar:

NM_014845.6(FIG4):c.3_23dup (p.Met1_Pro7dup)

Gene: FIG4 (FIG4 phosphoinositide 5-phosphatase; plus strand). Cytogenetic location: 6q21.
Variant type: Duplication.
Coding change: c.3_23dup on transcript NM_014845.6 (MANE Select); coding-DNA positions 3 to 23, 21 bases duplicated (GCCCACGGCCGCCGCCCCCAT).
Protein change: p.Met1_Pro7dup.
Molecular consequence: inframe insertion, initiator codon variant.
Genome position (GRCh38, 1-based): chr6:109,691,438-109,691,458, GCCCACGGCCGCCGCCCCCAT duplicated; duplicating any 21 consecutive bases within chr6:109,691,434-109,691,458 gives the same sequence; the c. name uses the placement nearest the transcript's 3' end. VCF-style (leftmost placement, unchanged base first): chr6-109691433-G-GCCATGCCCACGGCCGCCGCCC. GRCh37 (hg19) VCF-style: chr6-110012636-G-GCCATGCCCACGGCCGCCGCCC.
Other names: c.3_23dup21 (NM_014845.5).
Identifiers: ClinVar variation 572049 (VCV000572049.8), dbSNP rs1462234190, ClinGen allele CA817108289.

ClinVar aggregate classification (germline): Uncertain significance. Review status: criteria provided, multiple submitters, no conflicts (2 of 4 stars). 2 submissions from 2 submitters: Uncertain significance (2). Last evaluated 2025-10-25.

Conditions:
FIG4-related disorder. Also called: FIG4-related condition; FIG4-related disorders.
Charcot-Marie-Tooth disease type 4. Also called: Charcot-Marie-Tooth disease, type IV; Charcot-Marie-Tooth, Type 4. Identifiers: Orphanet 64749, MedGen C4082197, MONDO:0018995.

Submissions (2):

PreventionGenetics, part of Exact Sciences
Classification: Uncertain significance for FIG4-related condition. Last evaluated: 2025-10-25. Review status: criteria provided, single submitter. Criteria: ACMG Guidelines, 2015. Collection method: clinical testing. Allele origin: germline.
Comment: The FIG4 c.3_23dup21 variant is predicted to result in an in-frame duplication (p.Met1_Pro7dup). To our knowledge, this variant has not been reported in the literature or in a large population database (gnomAD), indicating this variant is rare. At this time, the clinical significance of this variant is uncertain due to the absence of conclusive functional and genetic evidence.

Labcorp Genetics (formerly Invitae), Labcorp
Classification: Uncertain significance for Charcot-Marie-Tooth disease type 4. Last evaluated: 2018-05-03. Review status: criteria provided, single submitter. Criteria: Invitae Variant Classification Sherloc (09022015). Collection method: clinical testing. Allele origin: germline.
Comment: In summary, the available evidence is currently insufficient to determine the role of this variant in disease. Therefore, it has been classified as a Variant of Uncertain Significance. This variant, c.3_23dup, is a complex sequence change that results in the insertion of 7 amino acids of the FIG4 protein (p.Met1_Pro7dup). This variant is not present in population databases (ExAC no frequency). This variant has not been reported in the literature in individuals with FIG4-related disease. Experimental studies and prediction algorithms are not available for this variant, and the functional significance of the duplicated amino acids is currently unknown.